The following is an entry in ClinVar:

NM_005918.4(MDH2):c.10G>A (p.Ala4Thr)

Gene: MDH2 (malate dehydrogenase 2; plus strand). Cytogenetic location: 7q11.23.
Variant type: single nucleotide variant.
Coding change: c.10G>A on transcript NM_005918.4 (MANE Select); coding-DNA position 10, G replaced by A.
Protein change: p.Ala4Thr; replaces alanine 4 with threonine.
Molecular consequence: missense variant. On other transcripts: 5 prime UTR variant (1), non-coding transcript variant (1).
Genome position (GRCh38, 1-based): chr7:76,048,170, G>A. VCF-style: chr7-76048170-G-A. GRCh37 (hg19) VCF-style: chr7-75677488-G-A.
Other names: c.10G>A, p.Ala4Thr (NM_001282403.2); c.-143G>A (NM_001282404.2); short protein forms A4T.
Identifiers: ClinVar variation 2625188 (VCV002625188.2), dbSNP rs1554584431, ClinGen allele CA367760025.
Genomic context (GRCh38, chr7:76,048,170, plus strand): 5'-CCCCGTCACCAGCTCCTGTGCCTGCCAGTCGGTGCCCCTCCCGCTCCAGCCATGCTCTCC[G>A]CCCTCGCCCGGCCTGCCAGCGCTGCTCTCCGCCGCAGCTTCAGCACCTCGGCCCAGGTAG-3'
Protein context (NP_005909.2, residues 1-14): MLS[Ala4Thr]LARPASAALR

ClinVar aggregate classification (germline): Uncertain significance (1 of 4 stars; one submission).

Conditions:
Inborn genetic diseases. Identifiers: MedGen C0950123, MeSH D030342.

Allele frequency attached by ClinVar (database versions not stated): gnomAD exomes below 0.00001.
gnomAD v4.1: 1 of 1,536,504 alleles (0.000065%); highest among the groups gnomAD compares: Non-Finnish European, 0.000087%; no homozygotes.

Submission:

Ambry Genetics
Classification: Uncertain significance for Inborn genetic diseases. Last evaluated: 2023-07-27. Review status: criteria provided, single submitter. Criteria: Ambry Variant Classification Scheme 2023. Collection method: clinical testing. Allele origin: germline.
Comment: The p.A4T variant (also known as c.10G>A), located in coding exon 1 of the MDH2 gene, results from a G to A substitution at nucleotide position 10. The alanine at codon 4 is replaced by threonine, an amino acid with similar properties. This amino acid position is conserved. In addition, this alteration is predicted to be tolerated by in silico analysis. Since supporting evidence is limited at this time, the clinical significance of this alteration remains unclear.